The following is an entry in ClinVar:

NM_001710.6(CFB):c.1696G>A (p.Glu566Lys)

Gene: CFB (complement factor B; plus strand). Cytogenetic location: 6p21.33.
Variant type: single nucleotide variant.
Coding change: c.1696G>A on transcript NM_001710.6 (MANE Select); coding-DNA position 1696, G replaced by A.
Protein change: p.Glu566Lys; replaces glutamic acid 566 with lysine.
Molecular consequence: missense variant.
Genome position (GRCh38, 1-based): chr6:31,950,690, G>A. VCF-style: chr6-31950690-G-A. GRCh37 (hg19) VCF-style: chr6-31918467-G-A.
Other names: short protein forms E566K.
Identifiers: ClinVar variation 1491824 (VCV001491824.6), dbSNP rs1261568530, ClinGen allele CA363408952.

ClinVar aggregate classification (germline): Uncertain significance (1 of 4 stars; one submission).

Allele frequency attached by ClinVar (database versions not stated): gnomAD exomes below 0.00001.

Submission:

Labcorp Genetics (formerly Invitae), Labcorp
Classification: Uncertain significance. Last evaluated: 2021-11-30. Review status: criteria provided, single submitter. Criteria: Invitae Variant Classification Sherloc (09022015). Collection method: clinical testing. Allele origin: germline.
Comment: In summary, the available evidence is currently insufficient to determine the role of this variant in disease. Therefore, it has been classified as a Variant of Uncertain Significance. Algorithms developed to predict the effect of missense changes on protein structure and function (SIFT, PolyPhen-2, Align-GVGD) all suggest that this variant is likely to be tolerated. This variant has not been reported in the literature in individuals affected with CFB-related conditions. This variant is not present in population databases (gnomAD no frequency). This sequence change replaces glutamic acid, which is acidic and polar, with lysine, which is basic and polar, at codon 566 of the CFB protein (p.Glu566Lys).